The following is an entry in ClinVar:

ClinVar aggregate classification (germline): Uncertain significance. Review status: criteria provided, multiple submitters, no conflicts (2 of 4 stars). 2 submissions from 2 submitters: Uncertain significance (2). Last evaluated 2025-09-04.

Conditions:
Inborn genetic diseases. Identifiers: MedGen C0950123, MeSH D030342.

Allele frequency attached by ClinVar (database versions not stated): ExAC 0.00002.

Submissions (2):

Ambry Genetics
Classification: Uncertain significance for Inborn genetic diseases. Last evaluated: 2025-09-04. Review status: criteria provided, single submitter. Criteria: Ambry Variant Classification Scheme 2023. Collection method: clinical testing. Allele origin: germline.

GeneDx
Classification: Uncertain significance. Last evaluated: 2023-05-10. Review status: criteria provided, single submitter. Criteria: GeneDx Variant Classification Process June 2021. Collection method: clinical testing. Allele origin: germline. Affected: yes.
Comment: In silico analysis supports that this missense variant has a deleterious effect on protein structure/function; Has not been previously published as pathogenic or benign to our knowledge

NM_013296.5(GPSM2):c.455A>C (p.Tyr152Ser)

Gene: GPSM2 (G protein signaling modulator 2; plus strand). Cytogenetic location: 1p13.3.
Variant type: single nucleotide variant.
Coding change: c.455A>C on transcript NM_013296.5 (MANE Select); coding-DNA position 455, A replaced by C.
Protein change: p.Tyr152Ser; replaces tyrosine 152 with serine.
Molecular consequence: missense variant.
Genome position (GRCh38, 1-based): chr1:108,897,999, A>C. VCF-style: chr1-108897999-A-C. GRCh37 (hg19) VCF-style: chr1-109440621-A-C.
Other names: c.455A>C, p.Tyr152Ser (NM_001321038.2, NM_001321039.3); short protein forms Y152S.
Identifiers: ClinVar variation 2662245 (VCV002662245.2), dbSNP rs746515335, ClinGen allele CA982807.